The following is an entry in ClinVar:

ClinVar aggregate classification (germline): Uncertain significance (1 of 4 stars; one submission).

Conditions:
Glycogen storage disease, type II (IOPD). Also called: Pompe Disease; CARDIOMEGALIA GLYCOGENICA DIFFUSA; GLYCOGENOSIS, GENERALIZED, CARDIAC FORM; GSD II; POMPE DISEASE, INFANTILE-ONSET; GLYCOGEN STORAGE DISEASE II, INFANTILE-ONSET. Identifiers: Orphanet 365, MedGen C0017921, MONDO:0009290, OMIM 232300.

Submission:

Genomenon, Inc
Classification: Uncertain significance for Glycogen storage disease, type II. Last evaluated: 2026-07-01. Review status: criteria provided, single submitter. Criteria: Genomenon Sequence Variant Interpretation Standards - Updated. Collection method: curation. Allele origin: germline. Affected: yes.
Comment: GAA p.Cys108Ser (c.323G>C) is a missense variant that changes the amino acid at codon 108 from Cysteine to Serine. This variant has been observed in at least one proband with a GAA-related disorder in the compound heterozygous and/or homozygous state (PMID:29181627). It is absent or not present at a significant frequency in gnomAD. In silico models predict that this variant is possibly or probably damaging. In conclusion, we classify GAA p.Cys108Ser (c.323G>C) as a variant of uncertain significance.

Literature cited by the submitters: PubMed 29181627.

NM_000152.5(GAA):c.323G>C (p.Cys108Ser)

Gene: GAA (alpha glucosidase; plus strand). Cytogenetic location: 17q25.3.
Variant type: single nucleotide variant.
Coding change: c.323G>C on transcript NM_000152.5 (MANE Select); coding-DNA position 323, G replaced by C.
Protein change: p.Cys108Ser; replaces cysteine 108 with serine.
Molecular consequence: missense variant.
Genome position (GRCh38, 1-based): chr17:80,104,909, G>C. VCF-style: chr17-80104909-G-C. GRCh37 (hg19) VCF-style: chr17-78078708-G-C.
Other names: c.323G>C, p.Cys108Ser (NM_001079803.3, NM_001079804.3, NM_001406741.1 and 1 more transcripts); short protein forms C108S.
Identifiers: ClinVar variation 4876452 (VCV004876452.1).